The following is an entry in ClinVar:

ClinVar aggregate classification (germline): Uncertain significance. Review status: criteria provided, multiple submitters, no conflicts (2 of 4 stars). 3 submissions from 3 submitters: Uncertain significance (3). Last evaluated 2023-01-23.

Conditions:
Inborn genetic diseases. Identifiers: MedGen C0950123, MeSH D030342.

Allele frequency attached by ClinVar (database versions not stated): TOPMed 0.00001; gnomAD 0.00003.
gnomAD v4.1: 15 of 1,613,932 alleles (0.00093%); highest among the groups gnomAD compares: Admixed American, 0.022%; no homozygotes.

Submissions (3):

Ambry Genetics
Classification: Uncertain significance for Inborn genetic diseases. Last evaluated: 2023-01-23. Review status: criteria provided, single submitter. Criteria: Ambry Variant Classification Scheme 2023. Collection method: clinical testing. Allele origin: germline.

Labcorp Genetics (formerly Invitae), Labcorp
Classification: Uncertain significance. Last evaluated: 2022-10-24. Review status: criteria provided, single submitter. Criteria: Invitae Variant Classification Sherloc (09022015). Collection method: clinical testing. Allele origin: germline.
Comment: This sequence change replaces isoleucine, which is neutral and non-polar, with threonine, which is neutral and polar, at codon 183 of the COL9A1 protein (p.Ile183Thr). This variant is present in population databases (no rsID available, gnomAD 0.02%). This variant has not been reported in the literature in individuals affected with COL9A1-related conditions. ClinVar contains an entry for this variant (Variation ID: 965952). Advanced modeling of protein sequence and biophysical properties (such as structural, functional, and spatial information, amino acid conservation, physicochemical variation, residue mobility, and thermodynamic stability) performed at Invitae indicates that this missense variant is not expected to disrupt COL9A1 protein function. In summary, the available evidence is currently insufficient to determine the role of this variant in disease. Therefore, it has been classified as a Variant of Uncertain Significance.

GeneDx
Classification: Uncertain significance. Last evaluated: 2021-02-03. Review status: criteria provided, single submitter. Criteria: GeneDx Variant Classification Process June 2021. Collection method: clinical testing. Allele origin: germline. Affected: yes.
Comment: Has not been previously published as pathogenic or benign to our knowledge; In silico analysis supports that this missense variant has a deleterious effect on protein structure/function; Reported in ClinVar but additional evidence is not available (ClinVar Variant ID#965952; Landrum et al., 2016)

NM_001851.6(COL9A1):c.548T>C (p.Ile183Thr)

Gene: COL9A1 (collagen type IX alpha 1 chain; minus strand). Cytogenetic location: 6q13.
Variant type: single nucleotide variant.
Coding change: c.548T>C on transcript NM_001851.6 (MANE Select); coding-DNA position 548, T replaced by C.
Protein change: p.Ile183Thr; replaces isoleucine 183 with threonine.
Molecular consequence: missense variant.
Genome position (GRCh38, 1-based): chr6:70,294,315, A>G on the plus strand (T>C on the coding strand, the complement: COL9A1 is on the minus strand). VCF-style: chr6-70294315-A-G. GRCh37 (hg19) VCF-style: chr6-71004018-A-G.
Other names: c.548T>C, p.Ile183Thr (NM_001377291.1); short protein forms I183T.
Identifiers: ClinVar variation 965952 (VCV000965952.8), dbSNP rs759724577, ClinGen allele CA364670940.